The following is an entry in ClinVar:

NM_002582.4(PARN):c.943A>G (p.Thr315Ala)

Gene: PARN (poly(A)-specific ribonuclease; minus strand). Cytogenetic location: 16p13.12.
Variant type: single nucleotide variant.
Coding change: c.943A>G on transcript NM_002582.4 (MANE Select); coding-DNA position 943, A replaced by G.
Protein change: p.Thr315Ala; replaces threonine 315 with alanine.
Molecular consequence: missense variant.
Genome position (GRCh38, 1-based): chr16:14,586,337, T>C on the plus strand (A>G on the coding strand, the complement: PARN is on the minus strand). VCF-style: chr16-14586337-T-C. GRCh37 (hg19) VCF-style: chr16-14680194-T-C.
Other names: c.760A>G, p.Thr254Ala (NM_001134477.3); c.805A>G, p.Thr269Ala (NM_001242992.2); c.943A>G (NM_002582.3); short protein forms T254A, T269A, T315A.
Identifiers: ClinVar variation 1010977 (VCV001010977.8), dbSNP rs371788207, ClinGen allele CA7912228.

ClinVar aggregate classification (germline): Uncertain significance. Review status: criteria provided, multiple submitters, no conflicts (2 of 4 stars). 2 submissions from 2 submitters: Uncertain significance (2). Last evaluated 2026-01-11.

Conditions:
Dyskeratosis congenita, autosomal recessive 6 (DKCB6). Identifiers: MedGen C4225356, MONDO:0014600, OMIM 616353.
Pulmonary fibrosis and/or bone marrow failure, Telomere-related, 4. Also called: PULMONARY FIBROSIS AND/OR BONE MARROW FAILURE SYNDROME, TELOMERE-RELATED, 4. Identifiers: Orphanet 2032, MedGen C4225347, MONDO:0014612, OMIM 616371.
Inborn genetic diseases. Identifiers: MedGen C0950123, MeSH D030342.

Allele frequency attached by ClinVar (database versions not stated): ExAC 0.00008; gnomAD exomes 0.00009 and 0.00010; gnomAD 0.00017 and 0.00019; TOPMed 0.00018; ESP Exome Variant Server 0.00008.
gnomAD v4.1: 154 of 1,551,142 alleles (0.0099%); highest among the groups gnomAD compares: Admixed American, 0.046%; no homozygotes.

Submissions (2):

Labcorp Genetics (formerly Invitae), Labcorp
Classification: Uncertain significance for Dyskeratosis congenita, autosomal recessive 6; Pulmonary fibrosis and/or bone marrow failure, Telomere-related, 4. Last evaluated: 2026-01-11. Review status: criteria provided, single submitter. Criteria: Invitae Variant Classification Sherloc (09022015). Collection method: clinical testing. Allele origin: germline.
Comment: This sequence change replaces threonine, which is neutral and polar, with alanine, which is neutral and non-polar, at codon 315 of the PARN protein (p.Thr315Ala). This variant is present in population databases (rs371788207, gnomAD 0.02%). This variant has not been reported in the literature in individuals affected with PARN-related conditions. ClinVar contains an entry for this variant (Variation ID: 1010977). Invitae Evidence Modeling of protein sequence and biophysical properties (such as structural, functional, and spatial information, amino acid conservation, physicochemical variation, residue mobility, and thermodynamic stability) indicates that this missense variant is not expected to disrupt PARN protein function with a negative predictive value of 80%. In summary, the available evidence is currently insufficient to determine the role of this variant in disease. Therefore, it has been classified as a Variant of Uncertain Significance.

Ambry Genetics
Classification: Uncertain significance for Inborn genetic diseases. Last evaluated: 2024-12-23. Review status: criteria provided, single submitter. Criteria: Ambry Variant Classification Scheme 2023. Collection method: clinical testing. Allele origin: germline.